The following is an entry in ClinVar:

ClinVar aggregate classification (germline): Uncertain significance (1 of 4 stars; one submission).

Submission:

Labcorp Genetics (formerly Invitae), Labcorp
Classification: Uncertain significance. Last evaluated: 2024-08-24. Review status: criteria provided, single submitter. Criteria: Invitae Variant Classification Sherloc (09022015). Collection method: clinical testing. Allele origin: germline.
Comment: This sequence change replaces glycine, which is neutral and non-polar, with valine, which is neutral and non-polar, at codon 381 of the TNFRSF11A protein (p.Gly381Val). This variant is not present in population databases (gnomAD no frequency). This variant has not been reported in the literature in individuals affected with TNFRSF11A-related conditions. An algorithm developed to predict the effect of missense changes on protein structure and function (PolyPhen-2) suggests that this variant is likely to be disruptive. In summary, the available evidence is currently insufficient to determine the role of this variant in disease. Therefore, it has been classified as a Variant of Uncertain Significance.

NM_003839.4(TNFRSF11A):c.1142G>T (p.Gly381Val)

Gene: TNFRSF11A (TNF receptor superfamily member 11a; plus strand). Cytogenetic location: 18q21.33.
Variant type: single nucleotide variant.
Coding change: c.1142G>T on transcript NM_003839.4 (MANE Select); coding-DNA position 1142, G replaced by T.
Protein change: p.Gly381Val; replaces glycine 381 with valine.
Molecular consequence: missense variant. On other transcripts: intron variant (3).
Genome position (GRCh38, 1-based): chr18:62,369,059, G>T. VCF-style: chr18-62369059-G-T. GRCh37 (hg19) VCF-style: chr18-60036292-G-T.
Other names: c.1100G>T, p.Gly367Val (NM_001278268.2); c.783+2299G>T (NM_001270949.2); c.730+7266G>T (NM_001270950.2); c.616+9010G>T (NM_001270951.2); short protein forms G367V, G381V.
Identifiers: ClinVar variation 3658789 (VCV003658789.2).